The following is an entry in ClinVar:

NM_000384.3(APOB):c.232T>G (p.Cys78Gly)

Genes: APOB (apolipoprotein B; minus strand), LOC106560211 (APOB 5' regulatory region; plus strand). Cytogenetic location: 2p24.1.
Variant type: single nucleotide variant.
Coding change: c.232T>G on transcript NM_000384.3 (MANE Select); coding-DNA position 232, T replaced by G.
Protein change: p.Cys78Gly; replaces cysteine 78 with glycine.
Molecular consequence: missense variant.
Genome position (GRCh38, 1-based): chr2:21,042,366, A>C on the plus strand (T>G on the coding strand, the complement: APOB is on the minus strand). VCF-style: chr2-21042366-A-C. GRCh37 (hg19) VCF-style: chr2-21265238-A-C.
Other names: short protein forms C78G.
Identifiers: ClinVar variation 3932620 (VCV003932620.1).

ClinVar aggregate classification (germline): Uncertain significance (1 of 4 stars; one submission).

Conditions:
Cardiovascular phenotype. Identifiers: MedGen CN230736.

Submission:

Ambry Genetics
Classification: Uncertain significance for Cardiovascular phenotype. Last evaluated: 2025-03-25. Review status: criteria provided, single submitter. Criteria: Ambry Variant Classification Scheme 2023. Collection method: clinical testing. Allele origin: germline.
Comment: The p.C78G variant (also known as c.232T>G), located in coding exon 3 of the APOB gene, results from a T to G substitution at nucleotide position 232. The cysteine at codon 78 is replaced by glycine, an amino acid with highly dissimilar properties. This amino acid position is conserved. In addition, the in silico prediction for this alteration is inconclusive. Based on the available evidence, the clinical significance of this variant remains unclear.